The following is an entry in ClinVar:

ClinVar aggregate classification (germline): Likely benign (1 of 4 stars; one submission).

Submission:

CeGaT Center for Human Genetics Tuebingen
Classification: Likely benign. Last evaluated: 2023-03-01. Review status: criteria provided, single submitter. Criteria: CeGaT Center For Human Genetics Tuebingen Variant Classification Criteria Version 2. Collection method: clinical testing. Allele origin: germline. Affected: yes. Observed: 1 variant allele.
Comment: EED: PM2:Supporting, BP4, BP7

NM_003797.5(EED):c.399G>C (p.Arg133=)

Gene: EED (embryonic ectoderm development; plus strand). Cytogenetic location: 11q14.2.
Variant type: single nucleotide variant.
Coding change: c.399G>C on transcript NM_003797.5 (MANE Select); coding-DNA position 399, G replaced by C.
Protein change: p.Arg133=; no amino-acid change (arginine 133 retained).
Molecular consequence: synonymous variant.
Genome position (GRCh38, 1-based): chr11:86,255,260, G>C. VCF-style: chr11-86255260-G-C. GRCh37 (hg19) VCF-style: chr11-85966302-G-C.
Other names: c.399G>C, p.Arg133= (NM_001308007.2, NM_001330334.2).
Identifiers: ClinVar variation 2642251 (VCV002642251.24), dbSNP rs1945639884, ClinGen allele CA475907278.